The following is an entry in ClinVar:

ClinVar aggregate classification (germline): Uncertain significance (1 of 4 stars; one submission).

Conditions:
Hereditary cancer-predisposing syndrome. Also called: Neoplastic Syndromes, Hereditary; Hereditary Cancer Syndrome; Hereditary neoplastic syndrome; Tumor predisposition. Identifiers: Orphanet 140162, MedGen C0027672, MeSH D009386, MONDO:0015356.

Submission:

Ambry Genetics
Classification: Uncertain significance for Hereditary cancer-predisposing syndrome. Last evaluated: 2023-04-18. Review status: criteria provided, single submitter. Criteria: Ambry Variant Classification Scheme 2023. Collection method: clinical testing. Allele origin: germline.
Comment: The p.S1083I variant (also known as c.3248G>T), located in coding exon 21 of the TSC1 gene, results from a G to T substitution at nucleotide position 3248. The serine at codon 1083 is replaced by isoleucine, an amino acid with dissimilar properties. This amino acid position is conserved. In addition, the in silico prediction for this alteration is inconclusive. Since supporting evidence is limited at this time, the clinical significance of this alteration remains unclear.

NM_000368.5(TSC1):c.3248G>T (p.Ser1083Ile)

Gene: TSC1 (TSC complex subunit 1; minus strand). Cytogenetic location: 9q34.13.
Variant type: single nucleotide variant.
Coding change: c.3248G>T on transcript NM_000368.5 (MANE Select); coding-DNA position 3248, G replaced by T.
Protein change: p.Ser1083Ile; replaces serine 1083 with isoleucine.
Molecular consequence: missense variant. On other transcripts: non-coding transcript variant (5).
Genome position (GRCh38, 1-based): chr9:132,896,482, C>A on the plus strand (G>T on the coding strand, the complement: TSC1 is on the minus strand). VCF-style: chr9-132896482-C-A. GRCh37 (hg19) VCF-style: chr9-135771869-C-A.
Other names: c.2294G>T, p.Ser765Ile (NM_001406628.1, NM_001406627.1); c.2195G>T, p.Ser732Ile (NM_001406629.1, NM_001406630.1); c.3245G>T, p.Ser1082Ile (NM_001162426.2, NM_001406597.1, NM_001406598.1 and 2 more transcripts); c.3095G>T, p.Ser1032Ile (NM_001162427.2, NM_001406610.1); c.2885G>T, p.Ser962Ile (NM_001362177.2, NM_001406614.1, NM_001406615.1 and 4 more transcripts); c.3248G>T, p.Ser1083Ile (NM_001406592.1, NM_001406593.1, NM_001406594.1 and 2 more transcripts); c.3233G>T, p.Ser1078Ile (NM_001406601.1, NM_001406602.1); c.3230G>T, p.Ser1077Ile (NM_001406603.1, NM_001406604.1); and 8 more; short protein forms S1068I, S1078I, S947I, S961I, S1069I, S1077I, S732I, S948I.
Identifiers: ClinVar variation 2562856 (VCV002562856.2), dbSNP rs1845055163, ClinGen allele CA375366867.
Genomic context (GRCh38, chr9:132,896,482, plus strand): 5'-TGGCTCTCGCTCTTATTACGAAATAACTCTCGAGCCTTCATACCCAGGAAGCTTTTTGAA[C>A]TGGGAAGTGAGCCCACAGTGGTGGGGATGCTGGCAGACGCTTCTCCCATAGTCGTCTCCC-3'
Protein context (NP_000359.1, residues 1073-1093): SIPTTVGSLP[Ser1083Ile]SKSFLGMKAR